The following is an entry in ClinVar:

ClinVar aggregate classification (germline): Likely benign (1 of 4 stars; one submission).

gnomAD v4.1: 2 of 1,613,380 alleles (0.00012%); highest among the groups gnomAD compares: Non-Finnish European, 0.00017%; no homozygotes.

Submission:

Mayo Clinic Laboratories, Mayo Clinic
Classification: Likely benign. Last evaluated: 2025-06-23. Review status: criteria provided, single submitter. Criteria: ACMG Guidelines, 2015. Collection method: clinical testing. Allele origin: germline. Observed: 1 variant allele.
Comment: BP4, BP7

NM_012062.5(DNM1L):c.740+8G>A

Gene: DNM1L (dynamin 1 like; plus strand). Cytogenetic location: 12p11.21.
Variant type: single nucleotide variant.
Coding change: c.740+8G>A on transcript NM_012062.5 (MANE Select); 8 bases into the intron after coding-DNA position 740, G replaced by A.
Molecular consequence: intron variant.
Genome position (GRCh38, 1-based): chr12:32,718,771, G>A. VCF-style: chr12-32718771-G-A. GRCh37 (hg19) VCF-style: chr12-32871705-G-A.
Other names: p.?; c.779+8G>A (NM_001278464.2, NM_001278465.2, NM_001330380.2); c.132-1893G>A (NM_001278466.2); c.740+8G>A (NM_001278463.2, NM_012063.4, NM_005690.5).
Identifiers: ClinVar variation 4683744 (VCV004683744.1).